The following is an entry in ClinVar:

ClinVar aggregate classification (germline): Conflicting classifications of pathogenicity. Review status: criteria provided, conflicting classifications (1 of 4 stars). 6 submissions from 6 submitters: Uncertain significance (5); Likely benign (1). Last evaluated 2025-12-10.

Conditions:
Gastrointestinal stromal tumor. Also called: Gastrointestinal stromal tumor, somatic; Gastrointestinal stroma tumor. Identifiers: Orphanet 44890, MedGen C0238198, MeSH D046152, MONDO:0011719, OMIM 606764, HP:0100723.
Pheochromocytoma/paraganglioma syndrome 3. Also called: Paragangliomas 3; SDHC-Related Hereditary Paraganglioma-Pheochromocytoma Syndrome (Paragangliomas 3); SDHC-Related Hereditary Paraganglioma-Pheochromocytoma Syndrome; GLOMUS TUMORS, FAMILIAL, 3. Identifiers: Orphanet 29072, MedGen C1854336, MONDO:0011544, OMIM 605373.
Carney-Stratakis syndrome. Also called: PARAGANGLIOMA AND GASTROINTESTINAL STROMAL TUMOR. Identifiers: Orphanet 97286, MedGen C1847319, MONDO:0011740, OMIM 606864.
Hereditary cancer-predisposing syndrome. Also called: Neoplastic Syndromes, Hereditary; Hereditary neoplastic syndrome; Hereditary Cancer Syndrome; Tumor predisposition. Identifiers: Orphanet 140162, MedGen C0027672, MeSH D009386, MONDO:0015356.
Hereditary pheochromocytoma and paraganglioma. Also called: Hereditary Paraganglioma-Pheochromocytoma Syndromes; Hereditary pheochromocytoma-paraganglioma; Hereditary paragangliomas and pheochromocytomas. Identifiers: Orphanet 29072, MedGen C4274332, MONDO:0017366.

Allele frequency attached by ClinVar (database versions not stated): TOPMed below 0.00001; ExAC 0.00001; gnomAD 0.00001; gnomAD exomes 0.00003; 1000 Genomes Project 30x 0.00016; 1000 Genomes Project 0.00020.
gnomAD v4.1: 22 of 1,593,922 alleles (0.0014%); highest among the groups gnomAD compares: East Asian, 0.051%; no homozygotes.

Submissions (6):

Labcorp Genetics (formerly Invitae), Labcorp
Classification: Uncertain significance for Pheochromocytoma/paraganglioma syndrome 3; Gastrointestinal stromal tumor. Last evaluated: 2025-12-10. Review status: criteria provided, single submitter. Criteria: Invitae Variant Classification Sherloc (09022015). Collection method: clinical testing. Allele origin: germline.
Comment: This sequence change replaces phenylalanine, which is neutral and non-polar, with leucine, which is neutral and non-polar, at codon 18 of the SDHC protein (p.Phe18Leu). The frequency data for this variant in the population databases is considered unreliable, as metrics indicate poor data quality at this position in the gnomAD database. This variant has not been reported in the literature in individuals affected with SDHC-related conditions. ClinVar contains an entry for this variant (Variation ID: 232892). An algorithm developed to predict the effect of missense changes on protein structure and function outputs the following: PolyPhen-2: "Benign". The leucine amino acid residue is found in multiple mammalian species, which suggests that this missense change does not adversely affect protein function. In summary, the available evidence is currently insufficient to determine the role of this variant in disease. Therefore, it has been classified as a Variant of Uncertain Significance.

Color Diagnostics, LLC DBA Color Health
Classification: Uncertain significance for Hereditary pheochromocytoma and paraganglioma. Last evaluated: 2025-09-10. Review status: criteria provided, single submitter. Criteria: ACMG Guidelines, 2015. Collection method: clinical testing. Allele origin: germline.
Comment: This missense variant replaces phenylalanine with leucine at codon 18 of the SDHC protein. Computational prediction suggests that this variant may not impact protein structure and function. To our knowledge, functional studies have not been reported for this variant. This variant has not been reported in individuals affected with SDHC-related disorders in the literature. This variant has not been identified in the general population by the Genome Aggregation Database (gnomAD). The available evidence is insufficient to determine the role of this variant in disease conclusively. Therefore, this variant is classified as a Variant of Uncertain Significance.

Center for Genomic Medicine, Rigshospitalet, Copenhagen University Hospital
Classification: Uncertain significance. Last evaluated: 2025-03-04. Review status: criteria provided, single submitter. Criteria: ACMG Guidelines, 2015. Collection method: clinical testing. Allele origin: germline.

Fulgent Genetics
Classification: Uncertain significance for Pheochromocytoma/paraganglioma syndrome 3; Gastrointestinal stromal tumor; Carney-Stratakis syndrome. Last evaluated: 2024-02-07. Review status: criteria provided, single submitter. Criteria: ACMG Guidelines, 2015. Collection method: clinical testing. Allele origin: germline.

Ambry Genetics
Classification: Likely benign for Hereditary cancer-predisposing syndrome. Last evaluated: 2020-04-02. Review status: criteria provided, single submitter. Criteria: Ambry Variant Classification Scheme 2023. Collection method: clinical testing. Allele origin: germline.

Illumina Laboratory Services, Illumina
Classification: Uncertain significance for Hereditary Paraganglioma-Pheochromocytoma Syndromes. Last evaluated: 2018-01-12. Review status: criteria provided, single submitter. Criteria: ICSL Variant Classification Criteria 13 December 2019. Collection method: clinical testing. Allele origin: germline.

NM_003001.5(SDHC):c.54T>G (p.Phe18Leu)

Gene: SDHC (succinate dehydrogenase complex subunit C; plus strand). Cytogenetic location: 1q23.3.
Variant type: single nucleotide variant.
Coding change: c.54T>G on transcript NM_003001.5 (MANE Select); coding-DNA position 54, T replaced by G.
Protein change: p.Phe18Leu; replaces phenylalanine 18 with leucine.
Molecular consequence: missense variant. On other transcripts: 5 prime UTR variant (2), non-coding transcript variant (1), intron variant (4).
Genome position (GRCh38, 1-based): chr1:161,323,647, T>G. VCF-style: chr1-161323647-T-G. GRCh37 (hg19) VCF-style: chr1-161293437-T-G.
Other names: c.54T>G, p.Phe18Leu (NM_001035511.3, NM_001035512.3, NM_001278172.3 and 2 more transcripts); c.-58T>G (NM_001407119.1); c.-176T>G (NM_001407120.1); c.21-4749T>G (NM_001407116.1, NM_001407121.1, NM_001407117.1); c.20+9222T>G (NM_001035513.3); short protein forms F18L.
Identifiers: ClinVar variation 232892 (VCV000232892.22), dbSNP rs200761743, ClinGen allele CA048079.
Genomic context (GRCh38, chr1:161,323,647, plus strand): 5'-TTGATTTTTGATTCTCTTATCTTGCAGACACGTTGGTCGTCATTGCCTCCGAGCCCACTT[T>G]AGCCCTCAGCTCTGTATCAGAAAGTAAGTTTCTAAGTCTGGAGATTATTTATTTATTTTT-3'
Protein context (NP_002992.1, residues 8-28): HVGRHCLRAH[Phe18Leu]SPQLCIRNAV